The following is an entry in ClinVar:

ClinVar aggregate classification (germline): Likely benign. Review status: criteria provided, single submitter (1 of 4 stars). 2 submissions from 2 submitters: Likely benign (1). 1 of the submissions does not count toward it. Last evaluated 2024-11-06.

Conditions:
VSIG4-related disorder. Also called: VSIG4-related condition.

Allele frequency attached by ClinVar (database versions not stated): ESP Exome Variant Server 0.00009; TOPMed 0.00010; gnomAD 0.00044.
gnomAD v4.1: 434 of 1,210,016 alleles (0.036%); highest among the groups gnomAD compares: Middle Eastern, 0.023%; 1 homozygote.

Submissions (2):

Blueprint Genetics
Classification: Likely benign. Last evaluated: 2024-11-06. Review status: criteria provided, single submitter. Criteria: ACMG Guidelines, 2015. Collection method: clinical testing. Allele origin: germline.

PreventionGenetics, part of Exact Sciences
Classification: Benign for VSIG4-related condition. Last evaluated: 2019-02-28. Review status: no assertion criteria provided. Collection method: clinical testing. Allele origin: germline. Not counted in ClinVar's aggregate classification.
Comment: This variant is classified as benign based on ACMG/AMP sequence variant interpretation guidelines (Richards et al. 2015 PMID: 25741868, with internal and published modifications).

NM_007268.3(VSIG4):c.31G>A (p.Gly11Arg)

Gene: VSIG4 (V-set and immunoglobulin domain containing 4; minus strand). Cytogenetic location: Xq12.
Variant type: single nucleotide variant.
Coding change: c.31G>A on transcript NM_007268.3 (MANE Select); coding-DNA position 31, G replaced by A.
Protein change: p.Gly11Arg; replaces glycine 11 with arginine.
Molecular consequence: missense variant.
Genome position (GRCh38, 1-based): chrX:66,039,968, C>T on the plus strand (G>A on the coding strand, the complement: VSIG4 is on the minus strand). VCF-style: chrX-66039968-C-T. GRCh37 (hg19) VCF-style: chrX-65259810-C-T.
Other names: c.31G>A, p.Gly11Arg (NM_001100431.2, NM_001184830.2, NM_001184831.2 and 1 more transcripts); short protein forms G11R.
Identifiers: ClinVar variation 3047458 (VCV003047458.3), dbSNP rs199904204, ClinGen allele CA10435128.